The following is an entry in ClinVar:

ClinVar aggregate classification (germline): Likely pathogenic (1 of 4 stars; one submission).

Conditions:
Early-infantile DEE. Also called: Early infantile epileptic encephalopathy; Ohtahara syndrome; Early infantile epileptic encephalopathy with suppression bursts. Identifiers: Orphanet 1934, MedGen C0393706, MONDO:0800491.

Submission:

Labcorp Genetics (formerly Invitae), Labcorp
Classification: Likely pathogenic for Early-infantile DEE. Last evaluated: 2025-08-19. Review status: criteria provided, single submitter. Criteria: Invitae Variant Classification Sherloc (09022015). Collection method: clinical testing. Allele origin: germline.
Comment: This sequence change replaces glutamine, which is neutral and polar, with arginine, which is basic and polar, at codon 459 of the SCN1A protein (p.Gln459Arg). This variant is not present in population databases (gnomAD no frequency). This missense change has been observed in individual(s) with autosomal dominant SCN1A-related conditions (PMID: 27781031). In at least one individual the variant was observed to be de novo. ClinVar contains an entry for this variant (Variation ID: 1436413). An algorithm developed to predict the effect of missense changes on protein structure and function (PolyPhen-2) suggests that this variant is likely to be disruptive. Algorithms developed to predict the effect of sequence changes on RNA splicing suggest that this variant may disrupt the consensus splice site. In summary, the currently available evidence indicates that the variant is pathogenic, but additional data are needed to prove that conclusively. Therefore, this variant has been classified as Likely Pathogenic.

Literature cited by the submitters: PubMed 27781031.

NM_001165963.4(SCN1A):c.1376A>G (p.Gln459Arg)

Gene: SCN1A (sodium voltage-gated channel alpha subunit 1; minus strand). Cytogenetic location: 2q24.3.
Variant type: single nucleotide variant.
Coding change: c.1376A>G on transcript NM_001165963.4 (MANE Select); coding-DNA position 1376, A replaced by G.
Protein change: p.Gln459Arg; replaces glutamine 459 with arginine.
Molecular consequence: missense variant. On other transcripts: 5 prime UTR variant (1), non-coding transcript variant (1).
Genome position (GRCh38, 1-based): chr2:166,046,771, T>C on the plus strand (A>G on the coding strand, the complement: SCN1A is on the minus strand). VCF-style: chr2-166046771-T-C. GRCh37 (hg19) VCF-style: chr2-166903281-T-C.
Other names: c.1376A>G, p.Gln459Arg (NM_001165964.3, NM_001202435.3, NM_001353948.2 and 10 more transcripts); c.-1050A>G (NM_001353961.2); short protein forms Q459R.
Identifiers: ClinVar variation 1436413 (VCV001436413.8), dbSNP rs2105860766, ClinGen allele CA349070181.